The following is an entry in ClinVar:

NM_139137.4(KCNC2):c.375C>T (p.Cys125=)

Gene: KCNC2 (potassium voltage-gated channel subfamily C member 2; minus strand). Cytogenetic location: 12q21.1.
Variant type: single nucleotide variant.
Coding change: c.375C>T on transcript NM_139137.4 (MANE Select); coding-DNA position 375, C replaced by T.
Protein change: p.Cys125=; no amino-acid change (cysteine 125 retained).
Molecular consequence: synonymous variant. On other transcripts: non-coding transcript variant (2).
Genome position (GRCh38, 1-based): chr12:75,207,609, G>A on the plus strand (C>T on the coding strand, the complement: KCNC2 is on the minus strand). VCF-style: chr12-75207609-G-A. GRCh37 (hg19) VCF-style: chr12-75601389-G-A.
Other names: c.375C>T, p.Cys125= (NM_001260497.2, NM_001260498.2, NM_001260499.2 and 13 more transcripts).
Identifiers: ClinVar variation 3349668 (VCV003349668.1).

ClinVar aggregate classification (germline): Benign (0 of 4 stars; one submission).

Conditions:
KCNC2-related disorder.

gnomAD v4.1: 127,543 of 1,611,930 alleles (7.9%); highest among the groups gnomAD compares: Admixed American, 16%; 5,713 homozygotes.

Submission:

PreventionGenetics, part of Exact Sciences
Classification: Benign for KCNC2-related condition. Last evaluated: 2024-03-14. Review status: no assertion criteria provided. Collection method: clinical testing. Allele origin: germline.
Comment: This variant is classified as benign based on ACMG/AMP sequence variant interpretation guidelines (Richards et al. 2015 PMID: 25741868, with internal and published modifications).